The following is an entry in ClinVar:

NM_005733.3(KIF20A):c.706G>A (p.Glu236Lys)

Gene: KIF20A (kinesin family member 20A; plus strand). Cytogenetic location: 5q31.2.
Variant type: single nucleotide variant.
Coding change: c.706G>A on transcript NM_005733.3 (MANE Select); coding-DNA position 706, G replaced by A.
Protein change: p.Glu236Lys; replaces glutamic acid 236 with lysine.
Molecular consequence: missense variant.
Genome position (GRCh38, 1-based): chr5:138,182,864, G>A. VCF-style: chr5-138182864-G-A. GRCh37 (hg19) VCF-style: chr5-137518553-G-A.
Other names: c.706G>A (NM_005733.2); short protein forms E236K.
Identifiers: ClinVar variation 1396885 (VCV001396885.8), dbSNP rs373041750, ClinGen allele CA3426384.

ClinVar aggregate classification (germline): Uncertain significance. Review status: criteria provided, multiple submitters, no conflicts (2 of 4 stars). 3 submissions from 3 submitters: Uncertain significance (3). Last evaluated 2025-02-23.

Allele frequency attached by ClinVar (database versions not stated): gnomAD exomes 0.00007 and 0.00009; ExAC 0.00008; ESP Exome Variant Server 0.00008; gnomAD 0.00013 and 0.00014; TOPMed 0.00019.
gnomAD v4.1: 162 of 1,614,146 alleles (0.01%); highest among the groups gnomAD compares: Middle Eastern, 0.13%; no homozygotes.

Submissions (3):

Labcorp Genetics (formerly Invitae), Labcorp
Classification: Uncertain significance. Last evaluated: 2025-02-23. Review status: criteria provided, single submitter. Criteria: Invitae Variant Classification Sherloc (09022015). Collection method: clinical testing. Allele origin: germline.
Comment: This sequence change replaces glutamic acid, which is acidic and polar, with lysine, which is basic and polar, at codon 236 of the KIF20A protein (p.Glu236Lys). This variant is present in population databases (rs373041750, gnomAD 0.01%). This variant has not been reported in the literature in individuals affected with KIF20A-related conditions. ClinVar contains an entry for this variant (Variation ID: 1396885). An algorithm developed to predict the effect of missense changes on protein structure and function (PolyPhen-2) suggests that this variant is likely to be disruptive. In summary, the available evidence is currently insufficient to determine the role of this variant in disease. Therefore, it has been classified as a Variant of Uncertain Significance.

Ambry Genetics
Classification: Uncertain significance. Last evaluated: 2021-08-23. Review status: criteria provided, single submitter. Criteria: Ambry Variant Classification Scheme 2023. Collection method: clinical testing. Allele origin: germline.

Breakthrough Genomics
Classification: Uncertain significance. Review status: criteria provided, single submitter. Criteria: ACMG Guidelines, 2015. Collection method: not provided. Allele origin: germline. Inheritance: Autosomal recessive inheritance. Affected: yes.